The following is an entry in ClinVar:

ClinVar aggregate classification (germline): Likely benign. Review status: criteria provided, multiple submitters, no conflicts (2 of 4 stars). 2 submissions from 2 submitters: Likely benign (2). Last evaluated 2025-07-22.

Conditions:
ABCC6-related disorder. Also called: ABCC6-related condition.

Allele frequency attached by ClinVar (database versions not stated): ExAC 0.00003; TOPMed 0.00004; gnomAD exomes 0.00005 and 0.00002; ESP Exome Variant Server 0.00015; gnomAD 0.00002.
gnomAD v4.1: 80 of 1,611,262 alleles (0.005%); highest among the groups gnomAD compares: Non-Finnish European, 0.0061%; no homozygotes.

Submissions (2):

Labcorp Genetics (formerly Invitae), Labcorp
Classification: Likely benign. Last evaluated: 2025-07-22. Review status: criteria provided, single submitter. Criteria: Invitae Variant Classification Sherloc (09022015). Collection method: clinical testing. Allele origin: germline.

PreventionGenetics, part of Exact Sciences
Classification: Likely benign for ABCC6-related condition. Last evaluated: 2024-11-27. Review status: criteria provided, single submitter. Criteria: ACMG Guidelines, 2015. Collection method: clinical testing. Allele origin: germline.
Comment: This variant is classified as likely benign based on ACMG/AMP sequence variant interpretation guidelines (Richards et al. 2015 PMID: 25741868, with internal and published modifications).

NM_001171.6(ABCC6):c.2946G>A (p.Thr982=)

Gene: ABCC6 (ATP binding cassette subfamily C member 6; minus strand). Cytogenetic location: 16p13.11.
Variant type: single nucleotide variant.
Coding change: c.2946G>A on transcript NM_001171.6 (MANE Select); coding-DNA position 2946, G replaced by A.
Protein change: p.Thr982=; no amino-acid change (threonine 982 retained).
Molecular consequence: synonymous variant. On other transcripts: non-coding transcript variant (1).
Genome position (GRCh38, 1-based): chr16:16,169,695, C>T on the plus strand (G>A on the coding strand, the complement: ABCC6 is on the minus strand). VCF-style: chr16-16169695-C-T. GRCh37 (hg19) VCF-style: chr16-16263552-C-T.
Other names: c.2604G>A, p.Thr868= (NM_001351800.1).
Identifiers: ClinVar variation 756260 (VCV000756260.9), dbSNP rs138410013, ClinGen allele CA7925738.